The following is an entry in ClinVar:

ClinVar aggregate classification (germline): Uncertain significance. Review status: criteria provided, multiple submitters, no conflicts (2 of 4 stars). 2 submissions from 2 submitters: Uncertain significance (2). Last evaluated 2024-04-18.

Submissions (2):

Women's Health and Genetics/Laboratory Corporation of America, LabCorp
Classification: Uncertain significance. Last evaluated: 2024-04-18. Review status: criteria provided, single submitter. Criteria: LabCorp Variant Classification Summary - May 2015. Collection method: clinical testing. Allele origin: germline.
Comment: Variant summary: VWF c.7086C>G (p.Cys2362Trp) results in a non-conservative amino acid change in the encoded protein sequence. Four of five in-silico tools predict a damaging effect of the variant on protein function. The variant was absent in 248662 control chromosomes. The available data on variant occurrences in the general population are insufficient to allow any conclusion about variant significance. To our knowledge, no occurrence of c.7086C>G in individuals affected with Von Willebrand Disease and no experimental evidence demonstrating its impact on protein function have been reported. ClinVar contains an entry for this variant (Variation ID: 993254). Based on the evidence outlined above, the variant was classified as uncertain significance.

Quest Diagnostics Nichols Institute San Juan Capistrano
Classification: Uncertain significance. Last evaluated: 2023-06-29. Review status: criteria provided, single submitter. Criteria: Quest Diagnostics criteria. Collection method: clinical testing. Allele origin: unknown.
Comment: To the best of our knowledge, this variant has not been reported in the published literature. It also has not been reported in large, multi-ethnic general populations (Genome Aggregation Database). Analysis of this variant using bioinformatics tools for the prediction of the effect of amino acid changes on protein structure and function yielded predictions that this variant is damaging. Based on the available information, we are unable to determine the clinical significance of this variant.

NM_000552.5(VWF):c.7086C>G (p.Cys2362Trp)

Gene: VWF (von Willebrand factor; minus strand). Cytogenetic location: 12p13.31.
Variant type: single nucleotide variant.
Coding change: c.7086C>G on transcript NM_000552.5 (MANE Select); coding-DNA position 7086, C replaced by G.
Protein change: p.Cys2362Trp; replaces cysteine 2362 with tryptophan.
Molecular consequence: missense variant.
Genome position (GRCh38, 1-based): chr12:5,981,987, G>C on the plus strand (C>G on the coding strand, the complement: VWF is on the minus strand). VCF-style: chr12-5981987-G-C. GRCh37 (hg19) VCF-style: chr12-6091153-G-C.
Other names: short protein forms C2362W.
Identifiers: ClinVar variation 993254 (VCV000993254.4), dbSNP rs1943611695, ClinGen allele CA383491378.